The following is an entry in ClinVar:

ClinVar aggregate classification (germline): Uncertain significance (1 of 4 stars; one submission).

Conditions:
Netherton syndrome (NETH). Also called: ERYTHRODERMA, ICHTHYOSIFORM, WITH HYPOTRICHOSIS AND HYPER-IgE; COMEL-NETHERTON SYNDROME; NETHERTON DISEASE. Identifiers: Orphanet 634, MedGen C5574950, MONDO:0009735, OMIM 256500.

Allele frequency attached by ClinVar (database versions not stated): gnomAD exomes below 0.00001 and 0.00001; ExAC 0.00001.
gnomAD v4.1: 3 of 1,613,934 alleles (0.00019%); highest among the groups gnomAD compares: Admixed American, 0.0033%; no homozygotes.

Submission:

Labcorp Genetics (formerly Invitae), Labcorp
Classification: Uncertain significance for Ichthyosis linearis circumflexa. Last evaluated: 2022-07-19. Review status: criteria provided, single submitter. Criteria: Invitae Variant Classification Sherloc (09022015). Collection method: clinical testing. Allele origin: germline.
Comment: This sequence change replaces glutamic acid, which is acidic and polar, with glycine, which is neutral and non-polar, at codon 615 of the SPINK5 protein (p.Glu615Gly). This variant is present in population databases (rs749375299, gnomAD 0.006%). This variant has not been reported in the literature in individuals affected with SPINK5-related conditions. ClinVar contains an entry for this variant (Variation ID: 1462257). Algorithms developed to predict the effect of missense changes on protein structure and function (SIFT, PolyPhen-2, Align-GVGD) all suggest that this variant is likely to be tolerated. In summary, the available evidence is currently insufficient to determine the role of this variant in disease. Therefore, it has been classified as a Variant of Uncertain Significance.

NM_006846.4(SPINK5):c.1844A>G (p.Glu615Gly)

Gene: SPINK5 (serine peptidase inhibitor Kazal type 5; plus strand). Cytogenetic location: 5q32.
Variant type: single nucleotide variant.
Coding change: c.1844A>G on transcript NM_006846.4 (MANE Select); coding-DNA position 1844, A replaced by G.
Protein change: p.Glu615Gly; replaces glutamic acid 615 with glycine.
Molecular consequence: missense variant.
Genome position (GRCh38, 1-based): chr5:148,112,891, A>G. VCF-style: chr5-148112891-A-G. GRCh37 (hg19) VCF-style: chr5-147492454-A-G.
Other names: c.1844A>G, p.Glu615Gly (NM_001127698.2, NM_001127699.2); short protein forms E615G.
Identifiers: ClinVar variation 1462257 (VCV001462257.5), dbSNP rs749375299, ClinGen allele CA3495761.